The following is an entry in ClinVar:

ClinVar aggregate classification (germline): Likely benign. Review status: criteria provided, multiple submitters, no conflicts (2 of 4 stars). 5 submissions from 5 submitters: Likely benign (3). 2 of the submissions do not count toward it. Last evaluated 2025-08-31.

Conditions:
Cardiovascular phenotype. Identifiers: MedGen CN230736.
Dilated cardiomyopathy 1R (CMD1R). Identifiers: Orphanet 154, Orphanet 54260, MedGen C3150681, MONDO:0013261, OMIM 613424.
Atrial septal defect 5 (ASD5). Identifiers: Orphanet 1478, MedGen C2748552, MONDO:0013011, OMIM 612794.
Hypertrophic cardiomyopathy 11. Also called: ACTC1-Related Familial Hypertrophic Cardiomyopathy. Identifiers: MedGen C2677506, MONDO:0012799, OMIM 612098.
Hypertrophic cardiomyopathy. Also called: HYPERTROPHIC MYOCARDIOPATHY. Identifiers: Orphanet 217569, MedGen C0007194, MeSH D002312, MONDO:0005045, HP:0001639.

Allele frequency attached by ClinVar (database versions not stated): TOPMed below 0.00001; ExAC 0.00001; gnomAD 0.00001; gnomAD exomes 0.00001 and 0.00002.

Submissions (5):

Labcorp Genetics (formerly Invitae), Labcorp
Classification: Likely benign for Dilated cardiomyopathy 1R; Hypertrophic cardiomyopathy 11; Atrial septal defect 5. Last evaluated: 2025-08-31. Review status: criteria provided, single submitter. Criteria: Invitae Variant Classification Sherloc (09022015). Collection method: clinical testing. Allele origin: germline.

All of Us Research Program, National Institutes of Health
Classification: Likely benign for Hypertrophic cardiomyopathy. Last evaluated: 2024-02-05. Review status: criteria provided, single submitter. Criteria: ACMG Guidelines, 2015. Collection method: clinical testing. Allele origin: germline. Inheritance: Autosomal dominant inheritance. Observed: 6 variant alleles, 6 heterozygotes.
Comment: This study involves interpretation of variants in research participants for the purpose of population health screening. Participant phenotype was not available at the time of variant classification. Additional details can be found in publication PMID: 35346344, PMCID: PMC8962531

Ambry Genetics
Classification: Likely benign for Cardiovascular phenotype. Last evaluated: 2023-05-01. Review status: criteria provided, single submitter. Criteria: Ambry Variant Classification Scheme 2023. Collection method: clinical testing. Allele origin: germline.

Clinical Genetics DNA and cytogenetics Diagnostics Lab, Erasmus MC, Erasmus Medical Center
Classification: Benign. Review status: no assertion criteria provided. Collection method: clinical testing. Allele origin: germline. Affected: yes. Study: VKGL Data-share Consensus. Not counted in ClinVar's aggregate classification.

Clinical Genetics, Academic Medical Center
Classification: Benign. Review status: no assertion criteria provided. Collection method: clinical testing. Allele origin: germline. Affected: yes. Study: VKGL Data-share Consensus. Not counted in ClinVar's aggregate classification.

NM_005159.5(ACTC1):c.1131C>T (p.Phe377=)

Genes: ACTC1 (actin alpha cardiac muscle 1; minus strand), GJD2-DT (GJD2 divergent transcript; plus strand). Cytogenetic location: 15q14.
Variant type: single nucleotide variant.
Coding change: c.1131C>T on transcript NM_005159.5 (MANE Select); coding-DNA position 1131, C replaced by T.
Protein change: p.Phe377=; no amino-acid change (phenylalanine 377 retained).
Molecular consequence: synonymous variant.
Genome position (GRCh38, 1-based): chr15:34,790,415, G>A on the plus strand (C>T on the coding strand, the complement: ACTC1 is on the minus strand). VCF-style: chr15-34790415-G-A. GRCh37 (hg19) VCF-style: chr15-35082616-G-A.
Other names: c.1131C>T (NM_005159.4).
Identifiers: ClinVar variation 1141190 (VCV001141190.13), dbSNP rs764683976, ClinGen allele CA040739.
Genomic context (GRCh38, chr15:34,790,415, plus strand): 5'-TCCAAGAAGCATAATACCGTCATCCTGACTGGAAGGTAGATGGAGAGAGAAGGCATCTTA[G>A]AAGCATTTGCGGTGGACAATGGATGGGCCTGCCTCATCGTACTCTTGCTTGCTAATCCAC-3'
Protein context (NP_005150.1, residues 367-377): AGPSIVHRKC[Phe377=]